The following is an entry in ClinVar:

ClinVar aggregate classification (germline): Uncertain significance (1 of 4 stars; one submission).

Submission:

GeneDx
Classification: Uncertain significance. Last evaluated: 2025-05-12. Review status: criteria provided, single submitter. Criteria: GeneDx Variant Classification Process June 2021. Collection method: clinical testing. Allele origin: germline. Affected: yes.
Comment: Not observed at significant frequency in large population cohorts (gnomAD); In silico analysis suggests that this missense variant does not alter protein structure/function; Has not been previously published as pathogenic or benign to our knowledge

NM_005215.4(DCC):c.4202C>A (p.Thr1401Lys)

Gene: DCC (DCC netrin 1 receptor; plus strand). Cytogenetic location: 18q21.2.
Variant type: single nucleotide variant.
Coding change: c.4202C>A on transcript NM_005215.4 (MANE Select); coding-DNA position 4202, C replaced by A.
Protein change: p.Thr1401Lys; replaces threonine 1401 with lysine.
Molecular consequence: missense variant.
Genome position (GRCh38, 1-based): chr18:53,526,707, C>A. VCF-style: chr18-53526707-C-A. GRCh37 (hg19) VCF-style: chr18-51053077-C-A.
Other names: short protein forms T1401K.
Identifiers: ClinVar variation 4529971 (VCV004529971.1).